The following is an entry in ClinVar:

NM_001111125.3(IQSEC2):c.2869A>G (p.Met957Val)

Gene: IQSEC2 (IQ motif and Sec7 domain ArfGEF 2; minus strand). Cytogenetic location: Xp11.22.
Variant type: single nucleotide variant.
Coding change: c.2869A>G on transcript NM_001111125.3 (MANE Select); coding-DNA position 2869, A replaced by G.
Protein change: p.Met957Val; replaces methionine 957 with valine.
Molecular consequence: missense variant.
Genome position (GRCh38, 1-based): chrX:53,243,352, T>C on the plus strand (A>G on the coding strand, the complement: IQSEC2 is on the minus strand). VCF-style: chrX-53243352-T-C. GRCh37 (hg19) VCF-style: chrX-53272534-T-C.
Other names: c.2254A>G, p.Met752Val (NM_015075.2); short protein forms M752V, M957V.
Identifiers: ClinVar variation 1690907 (VCV001690907.10), dbSNP rs2074253394, ClinGen allele CA413153482.
Genomic context (GRCh38, chrX:53,243,352, plus strand): 5'-CCTGAACCCTGGCCCCTCTGCAGCCTCCCAAGGCACTTACTGGTTTCTTTCCAACAATCA[T>C]GCGCTCCACAGCCTGCACCTGGGACACATGGTCATCGTTGGTCCGCAGTTCACGCCCCTG-3'
Protein context (NP_001104595.1, residues 947-967): HVSQVQAVER[Met957Val]IVGKKPVLSL

ClinVar aggregate classification (germline): Uncertain significance. Review status: criteria provided, multiple submitters, no conflicts (2 of 4 stars). 2 submissions from 2 submitters: Uncertain significance (2). Last evaluated 2025-11-13.

Conditions:
Intellectual developmental disorder, X-linked 1. Also called: MENTAL RETARDATION, X-LINKED 18; MENTAL RETARDATION, X-LINKED 78; Intellectual disability, X-linked 1; Atkin Flaitz Patil Smith syndrome. Identifiers: Orphanet 777, MedGen C2931498, MONDO:0010656, OMIM 309530.

Submissions (2):

Labcorp Genetics (formerly Invitae), Labcorp
Classification: Uncertain significance for Intellectual developmental disorder, X-linked 1. Last evaluated: 2025-11-13. Review status: criteria provided, single submitter. Criteria: Invitae Variant Classification Sherloc (09022015). Collection method: clinical testing. Allele origin: germline.
Comment: This sequence change replaces methionine, which is neutral and non-polar, with valine, which is neutral and non-polar, at codon 957 of the IQSEC2 protein (p.Met957Val). This variant is not present in population databases (gnomAD no frequency). This variant has not been reported in the literature in individuals affected with IQSEC2-related conditions. ClinVar contains an entry for this variant (Variation ID: 1690907). Invitae Evidence Modeling of protein sequence and biophysical properties (such as structural, functional, and spatial information, amino acid conservation, physicochemical variation, residue mobility, and thermodynamic stability) indicates that this missense variant is not expected to disrupt IQSEC2 protein function with a negative predictive value of 95%. In summary, the available evidence is currently insufficient to determine the role of this variant in disease. Therefore, it has been classified as a Variant of Uncertain Significance.

Laboratorio de Genetica e Diagnostico Molecular, Hospital Israelita Albert Einstein
Classification: Uncertain significance. Last evaluated: 2020-07-01. Review status: criteria provided, single submitter. Criteria: ACMG Guidelines, 2015. Collection method: clinical testing. Allele origin: germline. Affected: yes.
Comment: ACMG classification criteria: PM2, BP4